The following is an entry in ClinVar:

NM_021038.5(MBNL1):c.120G>A (p.Ser40=)

Gene: MBNL1 (muscleblind like splicing regulator 1; plus strand). Cytogenetic location: 3q25.2.
Variant type: single nucleotide variant.
Coding change: c.120G>A on transcript NM_021038.5 (MANE Select); coding-DNA position 120, G replaced by A.
Protein change: p.Ser40=; no amino-acid change (serine 40 retained).
Molecular consequence: synonymous variant. On other transcripts: 5 prime UTR variant (7), non-coding transcript variant (14), intron variant (42).
Genome position (GRCh38, 1-based): chr3:152,300,313, G>A. VCF-style: chr3-152300313-G-A. GRCh37 (hg19) VCF-style: chr3-152018102-G-A.
Other names: c.120G>A, p.Ser40= (NM_001363870.1, NM_001376818.1, NM_001376819.1 and 44 more transcripts); c.-157G>A (NM_001376843.1, NM_001387807.1, NM_001387813.1 and 2 more transcripts); c.-188G>A (NM_001387799.1); c.-713G>A (NM_001387805.1); c.-778-34798G>A (NM_001387811.1); c.-114-34798G>A (NM_001387797.1); c.-103+55873G>A (NM_001376839.1, NM_001376840.1, NM_001376845.1 and 2 more transcripts); c.-4+55873G>A (NM_001387821.1); and 14 more.
Identifiers: ClinVar variation 3055807 (VCV003055807.2), dbSNP rs74497536, ClinGen allele CA2671878.

ClinVar aggregate classification (germline): Benign (0 of 4 stars; one submission).

Conditions:
MBNL1-related disorder. Also called: MBNL1-related condition.

Allele frequency attached by ClinVar (database versions not stated): 1000 Genomes Project 0.00579; 1000 Genomes Project 30x 0.00593; gnomAD 0.01265; ExAC 0.01280; TOPMed 0.01377; ESP Exome Variant Server 0.01492; gnomAD exomes 0.01921.
gnomAD v4.1: 29,841 of 1,613,936 alleles (1.8%); highest among the groups gnomAD compares: Non-Finnish European, 2.3%; 335 homozygotes.

Submission:

PreventionGenetics, part of Exact Sciences
Classification: Benign for MBNL1-related condition. Last evaluated: 2019-02-20. Review status: no assertion criteria provided. Collection method: clinical testing. Allele origin: germline.
Comment: This variant is classified as benign based on ACMG/AMP sequence variant interpretation guidelines (Richards et al. 2015 PMID: 25741868, with internal and published modifications).